The following is an entry in ClinVar:

ClinVar aggregate classification (germline): Uncertain significance (1 of 4 stars; one submission).

Submission:

CeGaT Center for Human Genetics Tuebingen
Classification: Uncertain significance. Last evaluated: 2023-12-01. Review status: criteria provided, single submitter. Criteria: CeGaT Center For Human Genetics Tuebingen Variant Classification Criteria Version 2. Collection method: clinical testing. Allele origin: germline. Affected: yes. Observed: 1 variant allele.
Comment: ARID1A: PM2

NM_006015.6(ARID1A):c.1116G>C (p.Gln372His)

Genes: ARID1A (AT-rich interaction domain 1A; plus strand), LOC129929837 (ATAC-STARR-seq lymphoblastoid silent region 489; plus strand). Cytogenetic location: 1p36.11.
Variant type: single nucleotide variant.
Coding change: c.1116G>C on transcript NM_006015.6 (MANE Select); coding-DNA position 1116, G replaced by C.
Protein change: p.Gln372His; replaces glutamine 372 with histidine.
Molecular consequence: missense variant.
Genome position (GRCh38, 1-based): chr1:26,697,519, G>C. VCF-style: chr1-26697519-G-C. GRCh37 (hg19) VCF-style: chr1-27024010-G-C.
Other names: c.1116G>C, p.Gln372His (NM_139135.4); short protein forms Q372H.
Identifiers: ClinVar variation 3025380 (VCV003025380.22), dbSNP rs1187987075, ClinGen allele CA339267225.